The following is an entry in ClinVar:

ClinVar aggregate classification (germline): Uncertain significance (1 of 4 stars; one submission).

Submission:

Labcorp Genetics (formerly Invitae), Labcorp
Classification: Uncertain significance. Last evaluated: 2025-10-21. Review status: criteria provided, single submitter. Criteria: Invitae Variant Classification Sherloc (09022015). Collection method: clinical testing. Allele origin: germline.
Comment: This sequence change replaces isoleucine, which is neutral and non-polar, with threonine, which is neutral and polar, at codon 1469 of the CDH23 protein (p.Ile1469Thr). This variant is not present in population databases (gnomAD no frequency). This variant has not been reported in the literature in individuals affected with CDH23-related conditions. ClinVar contains an entry for this variant (Variation ID: 2092132). Invitae Evidence Modeling of protein sequence and biophysical properties (such as structural, functional, and spatial information, amino acid conservation, physicochemical variation, residue mobility, and thermodynamic stability) has been performed for this missense variant. However, the output from this modeling did not meet the statistical confidence thresholds required to predict the impact of this variant on CDH23 protein function. In summary, the available evidence is currently insufficient to determine the role of this variant in disease. Therefore, it has been classified as a Variant of Uncertain Significance.

NM_022124.6(CDH23):c.4406T>C (p.Ile1469Thr)

Gene: CDH23 (cadherin related 23; plus strand). Cytogenetic location: 10q22.1.
Variant type: single nucleotide variant.
Coding change: c.4406T>C on transcript NM_022124.6 (MANE Select); coding-DNA position 4406, T replaced by C.
Protein change: p.Ile1469Thr; replaces isoleucine 1469 with threonine.
Molecular consequence: missense variant.
Genome position (GRCh38, 1-based): chr10:71,739,690, T>C. VCF-style: chr10-71739690-T-C. GRCh37 (hg19) VCF-style: chr10-73499447-T-C.
Other names: short protein forms I1469T.
Identifiers: ClinVar variation 2092132 (VCV002092132.4), dbSNP rs2494214219, ClinGen allele CA377160090.